The following is an entry in ClinVar:

ClinVar aggregate classification (germline): Uncertain significance (1 of 4 stars; one submission).

gnomAD v4.1: 1 of 1,614,174 alleles (0.000062%); highest among the groups gnomAD compares: Non-Finnish European, 0.000085%; no homozygotes.

Submission:

GeneDx
Classification: Uncertain significance. Last evaluated: 2024-07-31. Review status: criteria provided, single submitter. Criteria: GeneDx Variant Classification Process June 2021. Collection method: clinical testing. Allele origin: germline. Affected: yes.
Comment: Not observed at significant frequency in large population cohorts (gnomAD); In silico analysis supports that this missense variant has a deleterious effect on protein structure/function; Has not been previously published as pathogenic or benign to our knowledge

NM_001375524.1(TRRAP):c.8594G>A (p.Arg2865Gln)

Gene: TRRAP (transformation/transcription domain associated protein; plus strand). Cytogenetic location: 7q22.1.
Variant type: single nucleotide variant.
Coding change: c.8594G>A on transcript NM_001375524.1 (MANE Select); coding-DNA position 8594, G replaced by A.
Protein change: p.Arg2865Gln; replaces arginine 2865 with glutamine.
Molecular consequence: missense variant.
Genome position (GRCh38, 1-based): chr7:98,978,864, G>A. VCF-style: chr7-98978864-G-A. GRCh37 (hg19) VCF-style: chr7-98576487-G-A.
Other names: c.8573G>A, p.Arg2858Gln (NM_001244580.2); c.8519G>A, p.Arg2840Gln (NM_003496.4); short protein forms R2840Q, R2858Q, R2865Q.
Identifiers: ClinVar variation 3602364 (VCV003602364.1).